The following is an entry in ClinVar:

NM_001136035.4(TRMT1):c.1042T>C (p.Cys348Arg)

Gene: TRMT1 (tRNA methyltransferase 1; minus strand). Cytogenetic location: 19p13.13.
Variant type: single nucleotide variant.
Coding change: c.1042T>C on transcript NM_001136035.4 (MANE Select); coding-DNA position 1042, T replaced by C.
Protein change: p.Cys348Arg; replaces cysteine 348 with arginine.
Molecular consequence: missense variant. On other transcripts: intron variant (2).
Genome position (GRCh38, 1-based): chr19:13,109,979, A>G on the plus strand (T>C on the coding strand, the complement: TRMT1 is on the minus strand). VCF-style: chr19-13109979-A-G. GRCh37 (hg19) VCF-style: chr19-13220793-A-G.
Other names: c.934T>C, p.Cys312Arg (NM_001351761.2); c.259T>C, p.Cys87Arg (NM_001351762.2); c.1042T>C, p.Cys348Arg (NM_017722.5); c.1020-141T>C (NM_001351760.2, NM_001142554.3); short protein forms C312R, C348R, C87R.
Identifiers: ClinVar variation 2412904 (VCV002412904.3), dbSNP rs771096015, ClinGen allele CA404313646.

ClinVar aggregate classification (germline): Likely pathogenic (1 of 4 stars; one submission).

gnomAD v4.1: 12 of 1,613,484 alleles (0.00074%); highest among the groups gnomAD compares: Admixed American, 0.013%; no homozygotes.

Submission:

GeneDx
Classification: Likely pathogenic. Last evaluated: 2022-07-21. Review status: criteria provided, single submitter. Criteria: GeneDx Variant Classification Process June 2021. Collection method: clinical testing. Allele origin: germline. Affected: yes.
Comment: Published in vitro functional studies demonstrate total elimination of methyltransferase activity compared to wildtype (Liu et al., 2000); In silico analysis supports that this missense variant has a deleterious effect on protein structure/function; This variant is associated with the following publications: (PMID: 10982862)